The following is an entry in ClinVar:

NM_001134831.2(AHI1):c.1493T>C (p.Leu498Pro)

Gene: AHI1 (Abelson helper integration site 1; minus strand). Cytogenetic location: 6q23.3.
Variant type: single nucleotide variant.
Coding change: c.1493T>C on transcript NM_001134831.2 (MANE Select); coding-DNA position 1493, T replaced by C.
Protein change: p.Leu498Pro; replaces leucine 498 with proline.
Molecular consequence: missense variant.
Genome position (GRCh38, 1-based): chr6:135,448,423, A>G on the plus strand (T>C on the coding strand, the complement: AHI1 is on the minus strand). VCF-style: chr6-135448423-A-G. GRCh37 (hg19) VCF-style: chr6-135769561-A-G.
Other names: c.1493T>C, p.Leu498Pro (NM_001134830.2, NM_001134832.2, NM_001350503.2 and 2 more transcripts); c.1493T>C (NM_017651.4); short protein forms L498P.
Identifiers: ClinVar variation 1510273 (VCV001510273.10), dbSNP rs2128059170, ClinGen allele CA365745520.
Genomic context (GRCh38, chr6:135,448,423, plus strand): 5'-CACCATTCAAATGCCTCAACAACACTTAATGGGGATCGAGGCTTAGTAGGTGGGTAATAT[A>G]GCTGCAAGCGAAGTTTTGAGTTGATGTTTGCATTTCCATTGGCTCCCAGAAGCTTAAAAT-3'
Protein context (NP_001128303.1, residues 488-508): ANINSKLRLQ[Leu498Pro]YYPPTKPRSP

ClinVar aggregate classification (germline): Conflicting classifications of pathogenicity. Review status: criteria provided, conflicting classifications (1 of 4 stars). 3 submissions from 3 submitters: Likely pathogenic (1); Uncertain significance (2). Last evaluated 2025-08-21.

Conditions:
Inborn genetic diseases. Identifiers: MedGen C0950123, MeSH D030342.
Joubert syndrome. Also called: Familial aplasia of the vermis; JOUBERT-BOLTSHAUSER SYNDROME. Identifiers: Orphanet 475, MedGen C5979921, MONDO:0018772.

Allele frequency attached by ClinVar (database versions not stated): gnomAD exomes below 0.00001.
gnomAD v4.1: 1 of 1,573,312 alleles (0.000064%); highest among the groups gnomAD compares: Non-Finnish European, 0.000087%; no homozygotes.

Submissions (3):

Ambry Genetics
Classification: Uncertain significance for Inborn genetic diseases. Last evaluated: 2025-08-21. Review status: criteria provided, single submitter. Criteria: Ambry Variant Classification Scheme 2023. Collection method: clinical testing. Allele origin: germline.

Labcorp Genetics (formerly Invitae), Labcorp
Classification: Likely pathogenic for Joubert syndrome. Last evaluated: 2023-04-26. Review status: criteria provided, single submitter. Criteria: Invitae Variant Classification Sherloc (09022015). Collection method: clinical testing. Allele origin: germline.
Comment: This sequence change replaces leucine, which is neutral and non-polar, with proline, which is neutral and non-polar, at codon 498 of the AHI1 protein (p.Leu498Pro). This variant is not present in population databases (gnomAD no frequency). In summary, the currently available evidence indicates that the variant is pathogenic, but additional data are needed to prove that conclusively. Therefore, this variant has been classified as Likely Pathogenic. Advanced modeling of protein sequence and biophysical properties (such as structural, functional, and spatial information, amino acid conservation, physicochemical variation, residue mobility, and thermodynamic stability) performed at Invitae indicates that this missense variant is expected to disrupt AHI1 protein function. ClinVar contains an entry for this variant (Variation ID: 1510273). This missense change has been observed in individual(s) with retinitis pigmentosa (Invitae). In at least one individual the data is consistent with being in trans (on the opposite chromosome) from a pathogenic variant.

Blueprint Genetics
Classification: Uncertain significance. Last evaluated: 2020-08-21. Review status: criteria provided, single submitter. Criteria: ACMG Guidelines, 2015. Collection method: clinical testing. Allele origin: germline.